The following is an entry in ClinVar:

NM_033100.4(CDHR1):c.628G>A (p.Val210Met)

Gene: CDHR1 (cadherin related family member 1; plus strand). Cytogenetic location: 10q23.1.
Variant type: single nucleotide variant.
Coding change: c.628G>A on transcript NM_033100.4 (MANE Select); coding-DNA position 628, G replaced by A.
Protein change: p.Val210Met; replaces valine 210 with methionine.
Molecular consequence: missense variant.
Genome position (GRCh38, 1-based): chr10:84,201,909, G>A. VCF-style: chr10-84201909-G-A. GRCh37 (hg19) VCF-style: chr10-85961665-G-A.
Other names: c.628G>A, p.Val210Met (NM_001171971.3); c.628G>A (NM_033100.2); short protein forms V210M.
Identifiers: ClinVar variation 444229 (VCV000444229.50), dbSNP rs774747506, ClinGen allele CA5579608.

ClinVar aggregate classification (germline): Uncertain significance. Review status: criteria provided, multiple submitters, no conflicts (2 of 4 stars). 6 submissions from 6 submitters: Uncertain significance (5). 1 of the submissions does not count toward it. Last evaluated 2025-12-01.

Conditions:
Retinal dystrophy. Also called: Inherited retinal dystrophy. Identifiers: Orphanet 71862, MedGen C0854723, MeSH D058499, MONDO:0019118, HP:0000556.
Inborn genetic diseases. Identifiers: MedGen C0950123, MeSH D030342.
Cone-rod dystrophy 15 (CORD15). Identifiers: MedGen C3150912, MONDO:0013348, OMIM 613660.

Allele frequency attached by ClinVar (database versions not stated): gnomAD exomes 0.00003 and 0.00004; TOPMed 0.00003; ExAC 0.00005; gnomAD 0.00003.
gnomAD v4.1: 53 of 1,604,612 alleles (0.0033%); highest among the groups gnomAD compares: Middle Eastern, 0.099%; no homozygotes.

Submissions (6):

Labcorp Genetics (formerly Invitae), Labcorp
Classification: Uncertain significance. Last evaluated: 2025-12-01. Review status: criteria provided, single submitter. Criteria: Invitae Variant Classification Sherloc (09022015). Collection method: clinical testing. Allele origin: germline.
Comment: This sequence change replaces valine, which is neutral and non-polar, with methionine, which is neutral and non-polar, at codon 210 of the CDHR1 protein (p.Val210Met). This variant is present in population databases (rs774747506, gnomAD 0.006%). This variant has not been reported in the literature in individuals affected with CDHR1-related conditions. ClinVar contains an entry for this variant (Variation ID: 444229). Invitae Evidence Modeling of protein sequence and biophysical properties (such as structural, functional, and spatial information, amino acid conservation, physicochemical variation, residue mobility, and thermodynamic stability) has been performed for this missense variant. However, the output from this modeling did not meet the statistical confidence thresholds required to predict the impact of this variant on CDHR1 protein function. In summary, the available evidence is currently insufficient to determine the role of this variant in disease. Therefore, it has been classified as a Variant of Uncertain Significance.

Ambry Genetics
Classification: Uncertain significance for Inborn genetic diseases. Last evaluated: 2025-11-19. Review status: criteria provided, single submitter. Criteria: Ambry Variant Classification Scheme 2023. Collection method: clinical testing. Allele origin: germline.

Blueprint Genetics
Classification: Uncertain significance. Last evaluated: 2022-06-15. Review status: criteria provided, single submitter. Criteria: ACMG Guidelines, 2015. Collection method: clinical testing. Allele origin: germline.

Dubai Health Genomic Medicine Center, Dubai Health
Classification: Uncertain significance for Cone-rod dystrophy 15. Last evaluated: 2020-04-13. Review status: criteria provided, single submitter. Criteria: ACMG Guidelines, 2015. Collection method: clinical testing. Allele origin: germline. Affected: yes.
Comment: The p.Val210Met missense variant in CDHR1 has been submitted by one clinical laboratory as a variant of uncertain clinical significance (ClinVar ID: SVC000698557). It was also identified in 9/127480 (0.007% 0 homozygotes) European Non-Finnish alleles in the Genome Aggregation Database (gnomAD). Computational prediction tools and conservation analysis do not provide impact for or against pathogenicity. In summary more information is needed to full assess the clinical significance of this variant.

CeGaT Center for Human Genetics Tuebingen
Classification: Uncertain significance. Last evaluated: 2017-04-01. Review status: criteria provided, single submitter. Criteria: CeGaT Center For Human Genetics Tuebingen Variant Classification Criteria Version 2. Collection method: clinical testing. Allele origin: germline. Affected: yes. Observed: 1 variant allele.

Institute of Human Genetics, Univ. Regensburg, Univ. Regensburg
Classification: Uncertain significance for Retinal dystrophy. Last evaluated: 2023-01-01. Review status: no assertion criteria provided. Criteria: ACMG Guidelines, 2015. Collection method: clinical testing. Allele origin: germline. Affected: yes. Not counted in ClinVar's aggregate classification.